The following is an entry in ClinVar:

ClinVar aggregate classification (germline): Conflicting classifications of pathogenicity. Review status: criteria provided, conflicting classifications (1 of 4 stars). 5 submissions from 5 submitters: Uncertain significance (2); Likely benign (3). Last evaluated 2025-12-09.

Conditions:
MARS1-related disorder. Also called: MARS1-related condition.
Charcot-Marie-Tooth disease axonal type 2U. Also called: CHARCOT-MARIE-TOOTH NEUROPATHY, TYPE 2U; CHARCOT-MARIE-TOOTH DISEASE, AXONAL, AUTOSOMAL DOMINANT, TYPE 2U. Identifiers: Orphanet 397735, MedGen C4084821, MONDO:0014566, OMIM 616280.
Severe early-onset pulmonary alveolar proteinosis due to MARS deficiency. Also called: PULMONARY ALVEOLAR PROTEINOSIS, REUNION ISLAND; Interstitial lung and liver disease. Identifiers: Orphanet 440427, MedGen C4225400, MONDO:0014206, OMIM 615486.

Allele frequency attached by ClinVar (database versions not stated): gnomAD exomes 0.00004 and 0.00008; ExAC 0.00005; gnomAD 0.00005 and 0.00006; TOPMed 0.00006; ESP Exome Variant Server 0.00015.
gnomAD v4.1: 116 of 1,613,722 alleles (0.0072%); highest among the groups gnomAD compares: Non-Finnish European, 0.0094%; no homozygotes.

Submissions (5):

Labcorp Genetics (formerly Invitae), Labcorp
Classification: Uncertain significance for Charcot-Marie-Tooth disease axonal type 2U; Severe early-onset pulmonary alveolar proteinosis due to MARS deficiency. Last evaluated: 2025-12-09. Review status: criteria provided, single submitter. Criteria: Invitae Variant Classification Sherloc (09022015). Collection method: clinical testing. Allele origin: germline.
Comment: This sequence change falls in intron 12 of the MARS gene. It does not directly change the encoded amino acid sequence of the MARS protein. It affects a nucleotide within the consensus splice site. This variant is present in population databases (rs372013808, gnomAD 0.007%). This variant has not been reported in the literature in individuals affected with MARS-related conditions. ClinVar contains an entry for this variant (Variation ID: 384378). Variants that disrupt the consensus splice site are a relatively common cause of aberrant splicing (PMID: 17576681, 9536098). Algorithms developed to predict the effect of sequence changes on RNA splicing suggest that this variant is not likely to affect RNA splicing. In summary, the available evidence is currently insufficient to determine the role of this variant in disease. Therefore, it has been classified as a Variant of Uncertain Significance.

PreventionGenetics, part of Exact Sciences
Classification: Likely benign for MARS1-related condition. Last evaluated: 2025-07-15. Review status: criteria provided, single submitter. Criteria: ACMG Guidelines, 2015. Collection method: clinical testing. Allele origin: germline.
Comment: This variant is classified as likely benign based on ACMG/AMP sequence variant interpretation guidelines (Richards et al. 2015 PMID: 25741868, with internal and published modifications).

ARUP Laboratories, Molecular Genetics and Genomics, ARUP Laboratories
Classification: Uncertain significance. Last evaluated: 2025-06-20. Review status: criteria provided, single submitter. Criteria: ARUP Molecular Germline Variant Investigation Process 2024. Collection method: clinical testing. Allele origin: germline.
Comment: The MARS1 c.1540-3C>T variant (rs372013808), to our knowledge, is not reported in the medical literature but is reported in ClinVar (Variation ID: 384378). This variant is found in the general population with an overall allele frequency of 0.004% (12/282,790 alleles) in the Genome Aggregation Database (v2.1.1). This is an intronic variant and computational analyses (Alamut Visual Plus v.1.12) predict that this variant does not alter splicing. However, since this variant is located within the minimal splice region, the clinical significance of this variant is uncertain at this time.

Ambry Genetics
Classification: Likely benign. Last evaluated: 2020-10-20. Review status: criteria provided, single submitter. Criteria: Ambry Variant Classification Scheme 2023. Collection method: clinical testing. Allele origin: germline.

GeneDx
Classification: Likely benign. Last evaluated: 2016-03-17. Review status: criteria provided, single submitter. Criteria: GeneDx Variant Classification (06012015). Collection method: clinical testing. Allele origin: germline. Affected: yes.
Comment: This variant is considered likely benign or benign based on one or more of the following criteria: it is a conservative change, it occurs at a poorly conserved position in the protein, it is predicted to be benign by multiple in silico algorithms, and/or has population frequency not consistent with disease.

Literature cited by the submitters: PubMed 17576681 (cited by Labcorp Genetics (formerly Invitae), Labcorp); PubMed 9536098 (cited by Labcorp Genetics (formerly Invitae), Labcorp).

NM_004990.4(MARS1):c.1540-3C>T

Gene: MARS1 (methionyl-tRNA synthetase 1; plus strand). Cytogenetic location: 12q13.3.
Variant type: single nucleotide variant.
Coding change: c.1540-3C>T on transcript NM_004990.4 (MANE Select); 3 bases into the intron before coding-DNA position 1540, C replaced by T.
Molecular consequence: intron variant.
Genome position (GRCh38, 1-based): chr12:57,512,005, C>T. VCF-style: chr12-57512005-C-T. GRCh37 (hg19) VCF-style: chr12-57905788-C-T.
Identifiers: ClinVar variation 384378 (VCV000384378.11), dbSNP rs372013808, ClinGen allele CA6650547.